The following is an entry in ClinVar:

ClinVar aggregate classification (germline): Uncertain significance (1 of 4 stars; one submission).

Conditions:
Cardiovascular phenotype. Identifiers: MedGen CN230736.

Submission:

Ambry Genetics
Classification: Uncertain significance for Cardiovascular phenotype. Last evaluated: 2026-06-25. Review status: criteria provided, single submitter. Criteria: Ambry Variant Classification Scheme 2023. Collection method: clinical testing. Allele origin: germline.
Comment: The p.D779V variant (also known as c.2336A>T), located in coding exon 38 of the COL1A2 gene, results from an A to T substitution at nucleotide position 2336. The aspartic acid at codon 779 is replaced by valine, an amino acid with highly dissimilar properties. This amino acid position is conserved. In addition, this alteration is predicted to be deleterious by in silico analysis. Based on the available evidence, the clinical significance of this variant remains unclear.

NM_000089.4(COL1A2):c.2336A>T (p.Asp779Val)

Gene: COL1A2 (collagen type I alpha 2 chain; plus strand). Cytogenetic location: 7q21.3.
Variant type: single nucleotide variant.
Coding change: c.2336A>T on transcript NM_000089.4 (MANE Select); coding-DNA position 2336, A replaced by T.
Protein change: p.Asp779Val; replaces aspartic acid 779 with valine.
Molecular consequence: missense variant.
Genome position (GRCh38, 1-based): chr7:94,421,049, A>T. VCF-style: chr7-94421049-A-T. GRCh37 (hg19) VCF-style: chr7-94050361-A-T.
Other names: short protein forms D779V.
Identifiers: ClinVar variation 5034726 (VCV005034726.1).